The following is an entry in ClinVar:

NM_002474.3(MYH11):c.726+6T>C

Gene: MYH11 (myosin heavy chain 11; minus strand). Cytogenetic location: 16p13.11.
Variant type: single nucleotide variant.
Coding change: c.726+6T>C on transcript NM_002474.3 (MANE Select); 6 bases into the intron after coding-DNA position 726, T replaced by C.
Molecular consequence: intron variant.
Genome position (GRCh38, 1-based): chr16:15,782,379, A>G on the plus strand (T>C on the coding strand, the complement: MYH11 is on the minus strand). VCF-style: chr16-15782379-A-G. GRCh37 (hg19) VCF-style: chr16-15876236-A-G.
Other names: c.726+6T>C (NM_022844.3); c.747+6T>C (NM_001040114.2, NM_001040113.2).
Identifiers: ClinVar variation 924529 (VCV000924529.4), dbSNP rs2042375648, ClinGen allele CA1139664554.

ClinVar aggregate classification (germline): Uncertain significance. Review status: criteria provided, multiple submitters, no conflicts (2 of 4 stars). 2 submissions from 2 submitters: Uncertain significance (2). Last evaluated 2020-02-11.

Conditions:
Familial thoracic aortic aneurysm and aortic dissection (TAAD). Also called: Thoracic aortic aneurysms and dissections. Identifiers: Orphanet 91387, MedGen C4707243, MONDO:0019625.

Allele frequency attached by ClinVar (database versions not stated): gnomAD exomes below 0.00001.
gnomAD v4.1: 2 of 1,613,172 alleles (0.00012%); highest among the groups gnomAD compares: Non-Finnish European, 0.00017%; no homozygotes.

Submissions (2):

Blueprint Genetics
Classification: Uncertain significance. Last evaluated: 2020-02-11. Review status: criteria provided, single submitter. Criteria: ACMG Guidelines, 2015. Collection method: clinical testing. Allele origin: germline.

Color Diagnostics, LLC DBA Color Health
Classification: Uncertain significance for Familial thoracic aortic aneurysm and aortic dissection. Last evaluated: 2019-08-21. Review status: criteria provided, single submitter. Criteria: ACMG Guidelines, 2015. Collection method: clinical testing. Allele origin: germline.
Comment: This variant causes an T>C nucleotide substitution at the +6 position of intron 7 of the MYH11 gene. Splicing prediction tools and conservation analyses are inconclusive regarding the impact of this variant on RNA splicing. To our knowledge, functional studies have not been performed for this variant. This variant has not been reported in individuals affected with cardiovascular disorders in the literature. This variant has not been identified in the general population by the Genome Aggregation Database (gnomAD). The available evidence is insufficient to determine the role of this variant in disease conclusively. Therefore, this variant is classified as a Variant of Uncertain Significance.